The following is an entry in ClinVar:

NM_000059.4(BRCA2):c.779A>C (p.Glu260Ala)

Gene: BRCA2 (BRCA2 DNA repair associated; plus strand). Cytogenetic location: 13q13.1.
Variant type: single nucleotide variant.
Coding change: c.779A>C on transcript NM_000059.4 (MANE Select); coding-DNA position 779, A replaced by C.
Protein change: p.Glu260Ala; replaces glutamic acid 260 with alanine.
Molecular consequence: missense variant. On other transcripts: non-coding transcript variant (1).
Genome position (GRCh38, 1-based): chr13:32,331,016, A>C. VCF-style: chr13-32331016-A-C. GRCh37 (hg19) VCF-style: chr13-32905153-A-C.
Other names: c.779A>C, p.Glu260Ala (NM_001406719.1, NM_001406720.1, NM_001406721.1); c.410A>C, p.Glu137Ala (NM_001406722.1); short protein forms E137A, E260A.
Identifiers: ClinVar variation 2762233 (VCV002762233.3), dbSNP rs1593890381, ClinGen allele CA387760207.

ClinVar aggregate classification (germline): Uncertain significance (1 of 4 stars; one submission).

Conditions:
Hereditary breast ovarian cancer syndrome. Also called: Hereditary breast and ovarian cancer syndrome (HBOC); Hereditary breast and/or ovarian cancer syndrome; Hereditary breast and ovarian cancer syndrome; Breast and ovarian cancer; Hereditary breast and ovarian cancer; BRCA1- and BRCA2-Associated Hereditary Breast and Ovarian Cancer. Identifiers: Orphanet 145, MedGen C0677776, MeSH D061325, MONDO:0003582. Disease mechanism: loss of function.

Submission:

Labcorp Genetics (formerly Invitae), Labcorp
Classification: Uncertain significance for Hereditary breast ovarian cancer syndrome. Last evaluated: 2023-09-21. Review status: criteria provided, single submitter. Criteria: Invitae Variant Classification Sherloc (09022015). Collection method: clinical testing. Allele origin: germline.
Comment: Advanced modeling of protein sequence and biophysical properties (such as structural, functional, and spatial information, amino acid conservation, physicochemical variation, residue mobility, and thermodynamic stability) performed at Invitae indicates that this missense variant is not expected to disrupt BRCA2 protein function. In summary, the available evidence is currently insufficient to determine the role of this variant in disease. Therefore, it has been classified as a Variant of Uncertain Significance. This variant has not been reported in the literature in individuals affected with BRCA2-related conditions. This variant is not present in population databases (gnomAD no frequency). This sequence change replaces glutamic acid, which is acidic and polar, with alanine, which is neutral and non-polar, at codon 260 of the BRCA2 protein (p.Glu260Ala).